The following is an entry in ClinVar:

NM_000528.4(MAN2B1):c.1068C>G (p.Pro356=)

Gene: MAN2B1 (mannosidase alpha class 2B member 1; minus strand). Cytogenetic location: 19p13.13.
Variant type: single nucleotide variant.
Coding change: c.1068C>G on transcript NM_000528.4 (MANE Select); coding-DNA position 1068, C replaced by G.
Protein change: p.Pro356=; no amino-acid change (proline 356 retained).
Molecular consequence: synonymous variant.
Genome position (GRCh38, 1-based): chr19:12,658,469, G>C on the plus strand (C>G on the coding strand, the complement: MAN2B1 is on the minus strand). VCF-style: chr19-12658469-G-C. GRCh37 (hg19) VCF-style: chr19-12769283-G-C.
Other names: c.1065C>G, p.Pro355= (NM_001173498.2).
Identifiers: ClinVar variation 328274 (VCV000328274.51), dbSNP rs117880912, ClinGen allele CA9226605.

ClinVar aggregate classification (germline): Benign/Likely benign. Review status: criteria provided, multiple submitters, no conflicts (2 of 4 stars). 11 submissions from 11 submitters: Benign (4); Likely benign (3). 4 of the submissions do not count toward it. Last evaluated 2026-07-01.

Conditions:
Deficiency of alpha-mannosidase (MANSA). Also called: Mannosidosis, alpha-, types I and II; LYSOSOMAL ALPHA-D-MANNOSIDASE DEFICIENCY; Alpha-Mannosidosis. Identifiers: Orphanet 61, MedGen C0024748, MONDO:0009561, OMIM 248500.

Allele frequency attached by ClinVar (database versions not stated): 1000 Genomes Project 0.00180; gnomAD 0.00217; 1000 Genomes Project 30x 0.00219; ESP Exome Variant Server 0.00323; TOPMed 0.00326.
gnomAD v4.1: 6,126 of 1,614,212 alleles (0.38%); highest among the groups gnomAD compares: Middle Eastern, 0.79%; 29 homozygotes.

Submissions (11):

CeGaT Center for Human Genetics Tuebingen
Classification: Likely benign. Last evaluated: 2026-07-01. Review status: criteria provided, single submitter. Criteria: CeGaT Center For Human Genetics Tuebingen Variant Classification Criteria Version 2. Collection method: clinical testing. Allele origin: germline. Affected: yes. Observed: 14 variant alleles.
Comment: MAN2B1: BP4, BP7, BS2

Labcorp Genetics (formerly Invitae), Labcorp
Classification: Benign for Deficiency of alpha-mannosidase. Last evaluated: 2026-02-02. Review status: criteria provided, single submitter. Criteria: Invitae Variant Classification Sherloc (09022015). Collection method: clinical testing. Allele origin: germline.

Genome-Nilou Lab
Classification: Benign for Deficiency of alpha-mannosidase. Last evaluated: 2021-06-10. Review status: criteria provided, single submitter. Criteria: ACMG Guidelines, 2015. Collection method: clinical testing. Allele origin: germline. Affected: no.

GeneDx
Classification: Benign. Last evaluated: 2019-08-27. Review status: criteria provided, single submitter. Criteria: GeneDx Variant Classification Process June 2021. Collection method: clinical testing. Allele origin: germline. Affected: yes.

Women's Health and Genetics/Laboratory Corporation of America, LabCorp
Classification: Benign. Last evaluated: 2018-06-15. Review status: criteria provided, single submitter. Criteria: LabCorp Variant Classification Summary - May 2015. Collection method: clinical testing. Allele origin: germline.
Comment: Variant summary: MAN2B1 c.1068C>G alters a non-conserved nucleotide resulting in a synonymous change. 5/5 computational tools predict no significant impact on normal splicing. However, these predictions have yet to be confirmed by functional studies. The variant allele was found at a frequency of 0.0035 in 277160 control chromosomes in the gnomAD database, including 5 homozygotes. The observed variant frequency is approximately 2-fold higher than the estimated maximal expected allele frequency for a pathogenic variant in MAN2B1 causing Alpha-Mannosidosis phenotype (0.0016), strongly suggesting that the variant is benign. To our knowledge, no occurrence of c.1068C>G in individuals affected with Alpha-Mannosidosis and no experimental evidence demonstrating its impact on protein function have been reported. A ClinVar submission from a clinical diagnostic laboratory (evaluation after 2014) and another clinical diagnostic laboratory (EGL) cite the variant as uncertain significance. Based on the evidence outlined above, the variant was classified as benign.

Illumina Laboratory Services, Illumina
Classification: Likely benign for Deficiency of alpha-mannosidase. Last evaluated: 2018-01-13. Review status: criteria provided, single submitter. Criteria: ICSL Variant Classification Criteria 13 December 2019. Collection method: clinical testing. Allele origin: germline.
Comment: This variant was observed in the ICSL laboratory as part of a predisposition screen in an ostensibly healthy population. It had not been previously curated by ICSL or reported in the Human Gene Mutation Database (HGMD: prior to June 1st, 2018), and was therefore a candidate for classification through an automated scoring system. Utilizing variant allele frequency, disease prevalence and penetrance estimates, and inheritance mode, an automated score was calculated to assess if this variant is too frequent to cause the disease. Based on the score and internal cut-off values, a variant classified as likely benign is not then subjected to further curation. The score for this variant resulted in a classification of likely benign for this disease.

Breakthrough Genomics
Classification: Likely benign. Review status: criteria provided, single submitter. Criteria: ACMG Guidelines, 2015. Collection method: not provided. Allele origin: germline. Inheritance: Autosomal recessive inheritance. Affected: yes.

Natera, Inc.
Classification: Benign for Alpha-mannosidosis. Last evaluated: 2020-09-16. Review status: no assertion criteria provided. Collection method: clinical testing. Allele origin: germline. Not counted in ClinVar's aggregate classification.

Mayo Clinic Laboratories, Mayo Clinic
Classification: Likely benign. Last evaluated: 2015-12-16. Review status: no assertion criteria provided. Collection method: clinical testing. Allele origin: unknown. Not counted in ClinVar's aggregate classification.

Clinical Genetics DNA and cytogenetics Diagnostics Lab, Erasmus MC, Erasmus Medical Center
Classification: Likely benign. Review status: no assertion criteria provided. Collection method: clinical testing. Allele origin: germline. Affected: yes. Study: VKGL Data-share Consensus. Not counted in ClinVar's aggregate classification.

Clinical Genetics, Academic Medical Center
Classification: Benign. Review status: no assertion criteria provided. Collection method: clinical testing. Allele origin: germline. Affected: yes. Study: VKGL Data-share Consensus. Not counted in ClinVar's aggregate classification.